The following is an entry in ClinVar:

ClinVar aggregate classification (germline): Uncertain significance (1 of 4 stars; one submission).

Conditions:
Cardiovascular phenotype. Identifiers: MedGen CN230736.

Submission:

Ambry Genetics
Classification: Uncertain significance for Cardiovascular phenotype. Last evaluated: 2025-02-06. Review status: criteria provided, single submitter. Criteria: Ambry Variant Classification Scheme 2023. Collection method: clinical testing. Allele origin: germline.
Comment: The p.N479K variant (also known as c.1437C>A), located in coding exon 13 of the MYH7 gene, results from a C to A substitution at nucleotide position 1437. The asparagine at codon 479 is replaced by lysine, an amino acid with similar properties. This alteration is located in the myosin head domain, which contains a statistically significant clustering of pathogenic missense variants (Homburger JR et al. Proc Natl Acad Sci U S A, 2016 06;113:6701-6; Walsh R et al. Genet Med, 2017 02;19:192-203; Ambry internal data). Another variant at the same codon, p.N479S (c.1436A>G), has been identified in individual(s) with features consistent with hypertrophic cardiomyopathy (Mohiddin SA et al. Genet. Test., 2003;7:21-7). This amino acid position is highly conserved in available vertebrate species. In addition, this alteration is predicted to be deleterious by in silico analysis. Based on the available evidence, the clinical significance of this variant remains unclear.

NM_000257.4(MYH7):c.1437C>A (p.Asn479Lys)

Gene: MYH7 (myosin heavy chain 7; minus strand). Cytogenetic location: 14q11.2.
Variant type: single nucleotide variant.
Coding change: c.1437C>A on transcript NM_000257.4 (MANE Select); coding-DNA position 1437, C replaced by A.
Protein change: p.Asn479Lys; replaces asparagine 479 with lysine.
Molecular consequence: missense variant.
Genome position (GRCh38, 1-based): chr14:23,428,641, G>T on the plus strand (C>A on the coding strand, the complement: MYH7 is on the minus strand). VCF-style: chr14-23428641-G-T. GRCh37 (hg19) VCF-style: chr14-23897850-G-T.
Other names: c.1437C>A, p.Asn479Lys (NM_001407004.1); short protein forms N479K.
Identifiers: ClinVar variation 3876493 (VCV003876493.1).